The following is an entry in ClinVar:

NM_004447.6(EPS8):c.1A>G (p.Met1Val)

Gene: EPS8 (EGFR pathway substrate 8, signaling adaptor; minus strand). Cytogenetic location: 12p12.3.
Variant type: single nucleotide variant.
Coding change: c.1A>G on transcript NM_004447.6 (MANE Select); coding-DNA position 1, A replaced by G.
Protein change: p.Met1Val; changes the start codon (methionine 1).
Molecular consequence: missense variant, initiator codon variant. On other transcripts: 5 prime UTR variant (2), non-coding transcript variant (3), intron variant (1).
Genome position (GRCh38, 1-based): chr12:15,682,951, T>C on the plus strand (A>G on the coding strand, the complement: EPS8 is on the minus strand). VCF-style: chr12-15682951-T-C. GRCh37 (hg19) VCF-style: chr12-15835885-T-C.
Other names: c.1A>G, p.Met1Val (NM_001413831.1, NM_001413832.1, NM_001413833.1 and 3 more transcripts); c.-163A>G (NM_001413835.1); c.-421A>G (NM_001413837.1); c.-104-12028A>G (NM_001413836.1); short protein forms M1V.
Identifiers: ClinVar variation 3901635 (VCV003901635.1).
Genomic context (GRCh38, chr12:15,682,951, plus strand): 5'-ACTTCATCTGAGATGGGTACATTCCAAAACTACTGGGATGATTAGAAATATGACCATTCA[T>C]TGTGTCTTTCACTTGTGTGTTCTAAAAAAAGAAAGACACATAGATTAAAGGCAATAAAAA-3'
Protein context (NP_004438.3, residues 1-11): [Met1Val]NGHISNHPSS

ClinVar aggregate classification (germline): Uncertain significance (1 of 4 stars; one submission).

Submission:

GeneDx
Classification: Uncertain significance. Last evaluated: 2024-12-04. Review status: criteria provided, single submitter. Criteria: GeneDx Variant Classification Process June 2021. Collection method: clinical testing. Allele origin: germline. Affected: yes.
Comment: Not observed at significant frequency in large population cohorts (gnomAD); Initiation codon variant in a gene for which loss of function is not a known mechanism of disease; Has not been previously published as pathogenic or benign to our knowledge